The following is an entry in ClinVar:

ClinVar aggregate classification (germline): Benign (1 of 4 stars; one submission).

Allele frequency attached by ClinVar (database versions not stated): gnomAD 0.02969 and 0.03176; 1000 Genomes Project 0.03035; TOPMed 0.03448.
gnomAD v4.1: 4,470 of 152,288 alleles (2.9%); highest among the groups gnomAD compares: African/African-American, 10%; 247 homozygotes.

Submission:

GeneDx
Classification: Benign. Last evaluated: 2018-06-14. Review status: criteria provided, single submitter. Criteria: GeneDx Variant Classification (06012015). Collection method: clinical testing. Allele origin: germline. Affected: yes.
Comment: This variant is considered likely benign or benign based on one or more of the following criteria: it is a conservative change, it occurs at a poorly conserved position in the protein, it is predicted to be benign by multiple in silico algorithms, and/or has population frequency not consistent with disease.

NM_000218.3(KCNQ1):c.1795-298A>G

Genes: KCNQ1 (potassium voltage-gated channel subfamily Q member 1; plus strand), KCNQ1-AS1 (KCNQ1 antisense RNA 1; minus strand). Cytogenetic location: 11p15.4.
Variant type: single nucleotide variant.
Coding change: c.1795-298A>G on transcript NM_000218.3 (MANE Select); 298 bases into the intron before coding-DNA position 1795, A replaced by G.
Molecular consequence: intron variant.
Genome position (GRCh38, 1-based): chr11:2,847,469, A>G. VCF-style: chr11-2847469-A-G. GRCh37 (hg19) VCF-style: chr11-2868699-A-G.
Other names: c.1525-298A>G (NM_001406837.1); c.1699-298A>G (NM_001406836.1); c.1255-298A>G (NM_001406838.1); c.1414-298A>G (NM_181798.2); c.307-298A>G (NM_001406839.1).
Identifiers: ClinVar variation 680963 (VCV000680963.3), dbSNP rs79850634, ClinGen allele CA13500423.